The following is an entry in ClinVar:

NM_002972.4(SBF1):c.1610C>G (p.Thr537Ser)

Gene: SBF1 (SET binding factor 1; minus strand). Cytogenetic location: 22q13.33.
Variant type: single nucleotide variant.
Coding change: c.1610C>G on transcript NM_002972.4 (MANE Select); coding-DNA position 1610, C replaced by G.
Protein change: p.Thr537Ser; replaces threonine 537 with serine.
Molecular consequence: missense variant.
Genome position (GRCh38, 1-based): chr22:50,464,560, G>C on the plus strand (C>G on the coding strand, the complement: SBF1 is on the minus strand). VCF-style: chr22-50464560-G-C. GRCh37 (hg19) VCF-style: chr22-50902989-G-C.
Other names: c.1610C>G (NM_002972.2); c.1613C>G, p.Thr538Ser (NM_001365819.1); short protein forms T537S, T538S.
Identifiers: ClinVar variation 1450091 (VCV001450091.5), dbSNP rs541309044, ClinGen allele CA10317606.

ClinVar aggregate classification (germline): Uncertain significance. Review status: criteria provided, multiple submitters, no conflicts (2 of 4 stars). 3 submissions from 3 submitters: Uncertain significance (3). Last evaluated 2025-04-16.

Conditions:
Charcot-Marie-Tooth disease type 4B3. Also called: Charcot-Marie-Tooth Neuropathy Type 4B3; CHARCOT-MARIE-TOOTH DISEASE, DEMYELINATING, TYPE 4B3. Identifiers: Orphanet 363981, MedGen C3695063, MONDO:0014117, OMIM 615284.

Allele frequency attached by ClinVar (database versions not stated): gnomAD 0.00001 and 0.00005; TOPMed 0.00002; ExAC 0.00003; gnomAD exomes 0.00003; 1000 Genomes Project 30x 0.00031; 1000 Genomes Project 0.00040.
gnomAD v4.1: 114 of 1,611,866 alleles (0.0071%); highest among the groups gnomAD compares: East Asian, 0.25%; 2 homozygotes.

Submissions (3):

ARUP Laboratories, Molecular Genetics and Genomics, ARUP Laboratories
Classification: Uncertain significance for Charcot-Marie-Tooth disease type 4B3. Last evaluated: 2025-04-16. Review status: criteria provided, single submitter. Criteria: ARUP Molecular Germline Variant Investigation Process 2024. Collection method: clinical testing. Allele origin: germline.
Comment: The SBF1 c.1610C>G; p.Thr537Ser variant (rs541309044), to our knowledge, is not reported in the medical literature but is reported in ClinVar (Variation ID: 1450091). This variant is found in the general population with an overall allele frequency of 0.003% (8/247,216 alleles) in the Genome Aggregation Database (v2.1.1). Computational analyses are uncertain whether this variant is neutral or deleterious (REVEL: 0.241). Due to limited information, the clinical significance of this variant is uncertain at this time.

Labcorp Genetics (formerly Invitae), Labcorp
Classification: Uncertain significance. Last evaluated: 2021-10-13. Review status: criteria provided, single submitter. Criteria: Invitae Variant Classification Sherloc (09022015). Collection method: clinical testing. Allele origin: germline.
Comment: This sequence change replaces threonine with serine at codon 537 of the SBF1 protein (p.Thr537Ser). The threonine residue is weakly conserved and there is a small physicochemical difference between threonine and serine. This variant is present in population databases (rs541309044, ExAC 0.05%). This variant has not been reported in the literature in individuals affected with SBF1-related conditions. Algorithms developed to predict the effect of missense changes on protein structure and function output the following: SIFT: "Tolerated"; PolyPhen-2: "Benign"; Align-GVGD: "Class C0". The serine amino acid residue is found in multiple mammalian species, which suggests that this missense change does not adversely affect protein function. In summary, the available evidence is currently insufficient to determine the role of this variant in disease. Therefore, it has been classified as a Variant of Uncertain Significance.

Ambry Genetics
Classification: Uncertain significance. Last evaluated: 2021-08-23. Review status: criteria provided, single submitter. Criteria: Ambry Variant Classification Scheme 2023. Collection method: clinical testing. Allele origin: germline.